The following is an entry in ClinVar:

ClinVar aggregate classification (germline): Uncertain significance (1 of 4 stars; one submission).

Conditions:
Epileptic encephalopathy. Identifiers: MedGen C0543888, HP:0200134.

Submission:

Labcorp Genetics (formerly Invitae), Labcorp
Classification: Uncertain significance for Epileptic encephalopathy. Last evaluated: 2019-12-18. Review status: criteria provided, single submitter. Criteria: Invitae Variant Classification Sherloc (09022015). Collection method: clinical testing. Allele origin: germline.
Comment: This sequence change replaces tyrosine with cysteine at codon 2616 of the RYR3 protein (p.Tyr2616Cys). The tyrosine residue is highly conserved and there is a large physicochemical difference between tyrosine and cysteine. This variant is not present in population databases (ExAC no frequency). This variant has not been reported in the literature in individuals with RYR3-related conditions. Algorithms developed to predict the effect of missense changes on protein structure and function are either unavailable or do not agree on the potential impact of this missense change (SIFT: "Deleterious"; PolyPhen-2: "Benign"; Align-GVGD: "Class C25"). In summary, the available evidence is currently insufficient to determine the role of this variant in disease. Therefore, it has been classified as a Variant of Uncertain Significance.

NM_001036.6(RYR3):c.7847A>G (p.Tyr2616Cys)

Gene: RYR3 (ryanodine receptor 3; plus strand). Cytogenetic location: 15q14.
Variant type: single nucleotide variant.
Coding change: c.7847A>G on transcript NM_001036.6 (MANE Select); coding-DNA position 7847, A replaced by G.
Protein change: p.Tyr2616Cys; replaces tyrosine 2616 with cysteine.
Molecular consequence: missense variant.
Genome position (GRCh38, 1-based): chr15:33,742,392, A>G. VCF-style: chr15-33742392-A-G. GRCh37 (hg19) VCF-style: chr15-34034593-A-G.
Other names: c.7847A>G, p.Tyr2616Cys (NM_001243996.4); short protein forms Y2616C.
Identifiers: ClinVar variation 850037 (VCV000850037.1), dbSNP rs2070235536, ClinGen allele CA391581014.
Genomic context (GRCh38, chr15:33,742,392, plus strand): 5'-GGGGAGGTTGTAATTTTTTTTCCTCATTTCACAGTTTTTCCTTGCCTGAAAAATTGGAAT[A>G]CATCGTCACCAAGTATGCTGAGCATTCACATGATAAATGGGCCTGTGACAAGGTAGGGAT-3'
Protein context (NP_001027.3, residues 2606-2626): MNFSLPEKLE[Tyr2616Cys]IVTKYAEHSH